The following is an entry in ClinVar:

ClinVar aggregate classification (germline): Benign/Likely benign. Review status: criteria provided, multiple submitters, no conflicts (2 of 4 stars). 11 submissions from 11 submitters: Benign (4); Likely benign (4). 3 of the submissions do not count toward it. Last evaluated 2026-10-01.

Conditions:
SIL1-related disorder. Also called: SIL1-related condition.
Marinesco-Sjögren syndrome (MSS). Also called: Marinesco-Sjogren Syndrome; Marinesco-SjÃ¶gren syndrome. Identifiers: Orphanet 559, MedGen C0024814, MONDO:0009567, OMIM 248800.

Allele frequency attached by ClinVar (database versions not stated): TOPMed 0.00493; ESP Exome Variant Server 0.00630; gnomAD exomes 0.00546 and 0.00733; ExAC 0.00576; 1000 Genomes Project 0.00200; 1000 Genomes Project 30x 0.00203; gnomAD 0.00470.
gnomAD v4.1: 11,385 of 1,614,034 alleles (0.71%); highest among the groups gnomAD compares: Non-Finnish European, 0.86%; 65 homozygotes.

Submissions (11):

CeGaT Center for Human Genetics Tuebingen
Classification: Likely benign. Last evaluated: 2026-10-01. Review status: criteria provided, single submitter. Criteria: CeGaT Center For Human Genetics Tuebingen Variant Classification Criteria Version 2. Collection method: clinical testing. Allele origin: germline. Affected: yes. Observed: 42 variant alleles.
Comment: SIL1: BP4, BS2

Labcorp Genetics (formerly Invitae), Labcorp
Classification: Benign for Marinesco-Sjögren syndrome. Last evaluated: 2026-01-24. Review status: criteria provided, single submitter. Criteria: Invitae Variant Classification Sherloc (09022015). Collection method: clinical testing. Allele origin: germline.

Mayo Clinic Laboratories, Mayo Clinic
Classification: Benign. Last evaluated: 2024-02-23. Review status: criteria provided, single submitter. Criteria: ACMG Guidelines, 2015. Collection method: clinical testing. Allele origin: germline. Observed: 8 variant alleles.
Comment: BA1, BS2

Genetic Services Laboratory, University of Chicago
Classification: Likely benign. Last evaluated: 2021-03-02. Review status: criteria provided, single submitter. Criteria: ACMG Guidelines, 2015. Collection method: clinical testing. Allele origin: germline. Affected: no.

GeneDx
Classification: Benign. Last evaluated: 2019-08-01. Review status: criteria provided, single submitter. Criteria: GeneDx Variant Classification Process June 2021. Collection method: clinical testing. Allele origin: germline. Affected: yes.

Illumina Laboratory Services, Illumina
Classification: Likely benign for Marinesco-Sjögren syndrome. Last evaluated: 2018-01-13. Review status: criteria provided, single submitter. Criteria: ICSL Variant Classification Criteria 13 December 2019. Collection method: clinical testing. Allele origin: germline.
Comment: This variant was observed in the ICSL laboratory as part of a predisposition screen in an ostensibly healthy population. It had not been previously curated by ICSL or reported in the Human Gene Mutation Database (HGMD: prior to June 1st, 2018), and was therefore a candidate for classification through an automated scoring system. Utilizing variant allele frequency, disease prevalence and penetrance estimates, and inheritance mode, an automated score was calculated to assess if this variant is too frequent to cause the disease. Based on the score and internal cut-off values, a variant classified as likely benign is not then subjected to further curation. The score for this variant resulted in a classification of likely benign for this disease.

Center for Pediatric Genomic Medicine, Children's Mercy Hospital and Clinics
Classification: Likely benign. Last evaluated: 2016-01-07. Review status: criteria provided, single submitter. Criteria: ACMG Guidelines, 2015. Collection method: clinical testing. Allele origin: germline.
ClinVar note: Converted during submission from Likely Benign to Likely benign.

Eurofins Ntd Llc (ga)
Classification: Benign. Last evaluated: 2013-05-01. Review status: criteria provided, single submitter. Criteria: EGL Classification Definitions 2015. Collection method: clinical testing. Allele origin: germline. Observed: 2 variant alleles, 2 heterozygotes.

PreventionGenetics, part of Exact Sciences
Classification: Benign for SIL1-related condition. Last evaluated: 2019-07-08. Review status: no assertion criteria provided. Collection method: clinical testing. Allele origin: germline. Not counted in ClinVar's aggregate classification.
Comment: This variant is classified as benign based on ACMG/AMP sequence variant interpretation guidelines (Richards et al. 2015 PMID: 25741868, with internal and published modifications).

Joint Genome Diagnostic Labs from Nijmegen and Maastricht, Radboudumc and MUMC+
Classification: Benign. Review status: no assertion criteria provided. Collection method: clinical testing. Allele origin: germline. Affected: yes. Study: VKGL Data-share Consensus. Not counted in ClinVar's aggregate classification.

Laboratory of Diagnostic Genome Analysis, Leiden University Medical Center (LUMC)
Classification: Likely benign. Review status: no assertion criteria provided. Collection method: clinical testing. Allele origin: germline. Affected: yes. Study: VKGL Data-share Consensus. Not counted in ClinVar's aggregate classification.

NM_022464.5(SIL1):c.368C>T (p.Thr123Ile)

Gene: SIL1 (SIL1 nucleotide exchange factor; minus strand). Cytogenetic location: 5q31.2.
Variant type: single nucleotide variant.
Coding change: c.368C>T on transcript NM_022464.5 (MANE Select); coding-DNA position 368, C replaced by T.
Protein change: p.Thr123Ile; replaces threonine 123 with isoleucine.
Molecular consequence: missense variant.
Genome position (GRCh38, 1-based): chr5:139,042,705, G>A on the plus strand (C>T on the coding strand, the complement: SIL1 is on the minus strand). VCF-style: chr5-139042705-G-A. GRCh37 (hg19) VCF-style: chr5-138378394-G-A.
Other names: c.368C>T, p.Thr123Ile (NM_001037633.2); short protein forms T123I.
Identifiers: ClinVar variation 96086 (VCV000096086.64), dbSNP rs115800498, ClinGen allele CA149227.
Genomic context (GRCh38, chr5:139,042,705, plus strand): 5'-TCTGCCCCCTCCTTGAATTTTGCCAGTGCACTCTTGAGATCCTGAGATGTGTAGGTGTTG[G>A]TGTTGATATCCAGCCTGTCCAAAGAAAACTGAGAGTAAAGAGGGAGGCATGGCTAGGCTT-3'
Protein context (NP_071909.1, residues 113-133): NLKGKRLDIN[Thr123Ile]NTYTSQDLKS